The following is an entry in ClinVar:

NM_001127.4(AP1B1):c.1765G>A (p.Val589Met)

Gene: AP1B1 (adaptor related protein complex 1 subunit beta 1; minus strand). Cytogenetic location: 22q12.2.
Variant type: single nucleotide variant.
Coding change: c.1765G>A on transcript NM_001127.4 (MANE Select); coding-DNA position 1765, G replaced by A.
Protein change: p.Val589Met; replaces valine 589 with methionine.
Molecular consequence: missense variant. On other transcripts: intron variant (1).
Genome position (GRCh38, 1-based): chr22:29,341,532, C>T on the plus strand (G>A on the coding strand, the complement: AP1B1 is on the minus strand). VCF-style: chr22-29341532-C-T. GRCh37 (hg19) VCF-style: chr22-29737521-C-T.
Other names: c.1765G>A, p.Val589Met (NM_001166019.2, NM_001378562.1, NM_001378563.1 and 1 more transcripts); c.1594G>A, p.Val532Met (NM_001378564.1, NM_001378565.1); c.1735+30G>A (NM_001378566.1); short protein forms V532M, V589M.
Identifiers: ClinVar variation 3053363 (VCV003053363.2), dbSNP rs149960917, ClinGen allele CA10173048.

ClinVar aggregate classification (germline): Likely benign (0 of 4 stars; one submission).

Conditions:
AP1B1-related disorder. Also called: AP1B1-related condition.

Allele frequency attached by ClinVar (database versions not stated): ESP Exome Variant Server 0.00038; 1000 Genomes Project 0.00060; ExAC 0.00070; 1000 Genomes Project 30x 0.00078.
gnomAD v4.1: 1,383 of 1,613,864 alleles (0.086%); highest among the groups gnomAD compares: Middle Eastern, 0.26%; 2 homozygotes.

Submission:

PreventionGenetics, part of Exact Sciences
Classification: Likely benign for AP1B1-related condition. Last evaluated: 2020-08-19. Review status: no assertion criteria provided. Collection method: clinical testing. Allele origin: germline.
Comment: This variant is classified as likely benign based on ACMG/AMP sequence variant interpretation guidelines (Richards et al. 2015 PMID: 25741868, with internal and published modifications).